The following is an entry in ClinVar:

ClinVar aggregate classification (germline): Pathogenic (1 of 4 stars; one submission).

Conditions:
Wilson disease (WND). Also called: Wilson's disease. Identifiers: Orphanet 905, MedGen C0019202, MONDO:0010200, OMIM 277900. Disease mechanism: loss of function.

Submission:

Labcorp Genetics (formerly Invitae), Labcorp
Classification: Pathogenic for Wilson disease. Last evaluated: 2022-03-26. Review status: criteria provided, single submitter. Criteria: Invitae Variant Classification Sherloc (09022015). Collection method: clinical testing. Allele origin: germline.
Comment: This sequence change creates a premature translational stop signal (p.Gln70Hisfs*4) in the ATP7B gene. It is expected to result in an absent or disrupted protein product. Loss-of-function variants in ATP7B are known to be pathogenic (PMID: 10441329, 16283883). For these reasons, this variant has been classified as Pathogenic. This variant has not been reported in the literature in individuals affected with ATP7B-related conditions. This variant is not present in population databases (gnomAD no frequency).

Literature cited by the submitters: PubMed 10441329; PubMed 16283883.

NM_000053.4(ATP7B):c.210del (p.Gln70fs)

Gene: ATP7B (ATPase copper transporting beta; minus strand). Cytogenetic location: 13q14.3.
Variant type: Deletion.
Coding change: c.210del on transcript NM_000053.4 (MANE Select); coding-DNA position 210, one base deleted (G; older notation c.210delG).
Protein change: p.Gln70fs; shifts the reading frame from glutamine 70.
Molecular consequence: frameshift variant.
Genome position (GRCh38, 1-based): chr13:51,975,010, C deleted on the plus strand (G on the coding strand, the reverse complement: ATP7B is on the minus strand). VCF-style (leftmost placement, unchanged base first): chr13-51975009-AC-A. GRCh37 (hg19) VCF-style: chr13-52549145-AC-A.
Other names: c.210del, p.Gln70fs (NM_001005918.3, NM_001243182.2, NM_001330578.2 and 1 more transcripts); c.210delG, p.Gln70Hisfs (NM_001406511.1, NM_001406512.1, NM_001406513.1 and 26 more transcripts); c.114delG, p.Gln38Hisfs (NM_001406517.1, NM_001406518.1, NM_001406530.1 and 4 more transcripts); short protein forms Q70fs.
Identifiers: ClinVar variation 1929074 (VCV001929074.5), dbSNP rs2547825080, ClinGen allele CA2580087776.